The following is an entry in ClinVar:

ClinVar aggregate classification (germline): Pathogenic (1 of 4 stars; one submission).

Conditions:
Familial adenomatous polyposis 1 (FAP1). Also called: FAMILIAL ADENOMATOUS POLYPOSIS 1, ATTENUATED; POLYPOSIS, ADENOMATOUS INTESTINAL. Identifiers: MedGen C2713442, MONDO:0021056, OMIM 175100. Disease mechanism: loss of function.

Submission:

Labcorp Genetics (formerly Invitae), Labcorp
Classification: Pathogenic for Familial adenomatous polyposis 1. Last evaluated: 2024-08-01. Review status: criteria provided, single submitter. Criteria: Invitae Variant Classification Sherloc (09022015). Collection method: clinical testing. Allele origin: germline.
Comment: This sequence change creates a premature translational stop signal (p.Leu616Trpfs*14) in the APC gene. It is expected to result in an absent or disrupted protein product. Loss-of-function variants in APC are known to be pathogenic (PMID: 17963004, 20685668). This variant is not present in population databases (gnomAD no frequency). This variant has not been reported in the literature in individuals affected with APC-related conditions. Algorithms developed to predict the effect of sequence changes on RNA splicing suggest that this variant may disrupt the consensus splice site. For these reasons, this variant has been classified as Pathogenic.

Literature cited by the submitters: PubMed 17963004; PubMed 20685668.

NM_000038.6(APC):c.1847del (p.Leu616fs)

Gene: APC (APC regulator of Wnt signaling pathway; plus strand). Cytogenetic location: 5q22.2.
Variant type: Deletion.
Coding change: c.1847del on transcript NM_000038.6 (MANE Select); coding-DNA position 1847, one base deleted (T; older notation c.1847delT).
Protein change: p.Leu616fs; shifts the reading frame from leucine 616.
Molecular consequence: frameshift variant. On other transcripts: non-coding transcript variant (2).
Genome position (GRCh38, 1-based): chr5:112,835,054, T deleted; the last of 5 consecutive T bases (chr5:112,835,050-112,835,054); deleting any one gives the same sequence. VCF-style (leftmost placement, unchanged base first): chr5-112835049-AT-A. GRCh37 (hg19) VCF-style: chr5-112170746-AT-A.
Other names: c.1847del, p.Leu616fs (NM_001127510.3, NM_001354895.2, NM_001407450.1); c.1793del, p.Leu598fs (NM_001127511.3); c.1901del, p.Leu634fs (NM_001354896.2, NM_001407447.1, NM_001407448.1 and 1 more transcripts); c.1877del, p.Leu626fs (NM_001354897.2); c.1772del, p.Leu591fs (NM_001354898.2); c.1763del, p.Leu588fs (NM_001354899.2); c.1724del, p.Leu575fs (NM_001354900.2); c.1670del, p.Leu557fs (NM_001354901.2, NM_001407453.1); and 11 more; short protein forms L232fs, L333fs, L456fs, L487fs, L490fs, L515fs, L525fs, L533fs.
Identifiers: ClinVar variation 3627136 (VCV003627136.2).